The following is an entry in ClinVar:

ClinVar aggregate classification (germline): Benign/Likely benign. Review status: criteria provided, multiple submitters, no conflicts (2 of 4 stars). 5 submissions from 5 submitters: Benign (3); Likely benign (1). 1 of the submissions does not count toward it. Last evaluated 2026-02-03.

Conditions:
TMEM107-related disorder. Also called: TMEM107-related condition.

Allele frequency attached by ClinVar (database versions not stated): 1000 Genomes Project 0.56869; ESP Exome Variant Server 0.58633; TOPMed 0.59385.
gnomAD v4.1: 489,063 of 764,100 alleles (64%); highest among the groups gnomAD compares: South Asian, 71%; 159,549 homozygotes.

Submissions (5):

Labcorp Genetics (formerly Invitae), Labcorp
Classification: Benign. Last evaluated: 2026-02-03. Review status: criteria provided, single submitter. Criteria: Invitae Variant Classification Sherloc (09022015). Collection method: clinical testing. Allele origin: germline.

Blueprint Genetics
Classification: Likely benign. Last evaluated: 2024-11-28. Review status: criteria provided, single submitter. Criteria: ACMG Guidelines, 2015. Collection method: clinical testing. Allele origin: germline.

GeneDx
Classification: Benign. Last evaluated: 2020-08-19. Review status: criteria provided, single submitter. Criteria: GeneDx Variant Classification Process June 2021. Collection method: clinical testing. Allele origin: germline. Affected: yes.

Breakthrough Genomics
Classification: Benign. Review status: criteria provided, single submitter. Criteria: ACMG Guidelines, 2015. Collection method: not provided. Allele origin: germline. Inheritance: Autosomal recessive inheritance. Affected: yes.

PreventionGenetics, part of Exact Sciences
Classification: Benign for TMEM107-related condition. Last evaluated: 2024-04-22. Review status: no assertion criteria provided. Collection method: clinical testing. Allele origin: germline. Not counted in ClinVar's aggregate classification.
Comment: This variant is classified as benign based on ACMG/AMP sequence variant interpretation guidelines (Richards et al. 2015 PMID: 25741868, with internal and published modifications).

NR_033294.2(SNORD118):n.105A>T

Genes: SNORD118 (small nucleolar RNA, C/D box 118; minus strand), TMEM107 (transmembrane protein 107; minus strand). Cytogenetic location: 17p13.1.
Variant type: single nucleotide variant.
Molecular consequence: non-coding transcript variant (on NR_033294.2). On other transcripts: 3 prime UTR variant (5).
Genome position: GRCh38 VCF-style: chr17-8173484-T-A. GRCh37 (hg19) VCF-style: chr17-8076802-T-A.
Other names: c.*719A>T (NM_032354.3, NM_001351278.2, NM_001351279.2 and 3 more transcripts).
Identifiers: ClinVar variation 1166962 (VCV001166962.17), dbSNP rs9901637, ClinGen allele CA8370622.